The following is an entry in ClinVar:

ClinVar aggregate classification (germline): Conflicting classifications of pathogenicity. Review status: criteria provided, conflicting classifications (1 of 4 stars). 7 submissions from 4 submitters: Uncertain significance (5); Likely benign (2). Last evaluated 2024-02-26.

Conditions:
Inborn genetic diseases. Identifiers: MedGen C0950123, MeSH D030342.
Transitory neonatal diabetes mellitus. Also called: Transient neonatal diabetes mellitus. Identifiers: MedGen C0342273, MONDO:0020525, HP:0008255.
Maturity-onset diabetes of the young (MODY). Also called: Maturity onset diabetes mellitus in young. Identifiers: Orphanet 552, MedGen C0342276, MONDO:0018911, HP:0004904.
Hyperinsulinemic hypoglycemia, familial, 1 (HHF1). Also called: Persistent hyperinsulinemic hypoglycemia of infancy; HYPERINSULINISM, FAMILIAL, WITH PANCREATIC NESIDIOBLASTOSIS; HYPOGLYCEMIA, HYPERINSULINEMIC, OF INFANCY; NESIDIOBLASTOSIS OF PANCREAS; Persistent Hyperinsulinemia Hypoglycemia of Infancy. Identifiers: Orphanet 276575, Orphanet 276598, MedGen C2931832, MONDO:0009734, OMIM 256450.
Permanent neonatal diabetes mellitus (PNDM). Identifiers: Orphanet 99885, MedGen C1833104, MONDO:0100164, MONDO:0011643. Disease mechanism: gain of function.
Diabetes mellitus, transient neonatal, 2 (TNDM2). Identifiers: Orphanet 99886, MedGen C1835887, MONDO:0012480, OMIM 610374. Disease mechanism: loss of function.

Allele frequency attached by ClinVar (database versions not stated): ExAC 0.00001; gnomAD 0.00001 and 0.00003; gnomAD exomes 0.00002; TOPMed 0.00002.
gnomAD v4.1: 61 of 1,612,204 alleles (0.0038%); highest among the groups gnomAD compares: East Asian, 0.11%; no homozygotes.

Submissions (7):

Ambry Genetics
Classification: Likely benign for Inborn genetic diseases. Last evaluated: 2024-02-26. Review status: criteria provided, single submitter. Criteria: Ambry Variant Classification Scheme 2023. Collection method: clinical testing. Allele origin: germline.

Labcorp Genetics (formerly Invitae), Labcorp
Classification: Likely benign. Last evaluated: 2024-02-22. Review status: criteria provided, single submitter. Criteria: Invitae Variant Classification Sherloc (09022015). Collection method: clinical testing. Allele origin: germline.

Illumina Laboratory Services, Illumina
Classification: Uncertain significance for Hyperinsulinemic hypoglycemia, familial, 1. Last evaluated: 2018-01-12. Review status: criteria provided, single submitter. Criteria: ICSL Variant Classification Criteria 13 December 2019. Collection method: clinical testing. Allele origin: germline.

Illumina Laboratory Services, Illumina
Classification: Uncertain significance for Permanent neonatal diabetes mellitus 1. Last evaluated: 2018-01-12. Review status: criteria provided, single submitter. Criteria: ICSL Variant Classification Criteria 13 December 2019. Collection method: clinical testing. Allele origin: germline.

Illumina Laboratory Services, Illumina
Classification: Uncertain significance for Diabetes mellitus, transient neonatal, 2. Last evaluated: 2018-01-12. Review status: criteria provided, single submitter. Criteria: ICSL Variant Classification Criteria 13 December 2019. Collection method: clinical testing. Allele origin: germline.

Clinical Genomics, Uppaluri K&H Personalized Medicine Clinic
Classification: Uncertain significance for Maturity-onset diabetes of the young. Review status: criteria provided, single submitter. Criteria: K & H Uppaluri Personalized Medicine Clinic Variant Classification & Assertion Criteria_Updated V.1. Collection method: research. Allele origin: unknown. Inheritance: Somatic mutation.
Comment: Mutations in ABCC8 gene are associated with both neonatal diabetes mellitus as well as MODY. Patients with this mutation may have a better response to sulfonylureas. However, no sufficient evidence is found to ascertain the role of this particular variant (rs780868010) in MODY yet.

Clinical Genomics, Uppaluri K&H Personalized Medicine Clinic
Classification: Uncertain significance for Transitory neonatal diabetes mellitus. Review status: criteria provided, single submitter. Criteria: K & H Uppaluri Personalized Medicine Clinic Variant Classification & Assertion Criteria_Updated V.1. Collection method: research. Allele origin: unknown. Inheritance: Somatic mutation.
Comment: Mutations in ABCC8 gene are associated with both neonatal diabetes mellitus as well as MODY. Patients with this mutation may have a better response to sulfonylureas. However, no sufficient evidence is found to ascertain the role of this particular variant (rs780868010) in neonatal diabetes yet.

Literature cited by the submitters: PubMed 16885549 (cited by Clinical Genomics, Uppaluri K&H Personalized Medicine Clinic); PubMed 21989597 (cited by Clinical Genomics, Uppaluri K&H Personalized Medicine Clinic); PubMed 27538677 (cited by Clinical Genomics, Uppaluri K&H Personalized Medicine Clinic); PubMed 18981553 (cited by Clinical Genomics, Uppaluri K&H Personalized Medicine Clinic); PubMed 32027066 (cited by Clinical Genomics, Uppaluri K&H Personalized Medicine Clinic); PubMed 16613899 (cited by Clinical Genomics, Uppaluri K&H Personalized Medicine Clinic); PubMed 18025408 (cited by Clinical Genomics, Uppaluri K&H Personalized Medicine Clinic); PubMed 32792356 (cited by Clinical Genomics, Uppaluri K&H Personalized Medicine Clinic).

NM_000352.6(ABCC8):c.2937C>T (p.Ser979=)

Gene: ABCC8 (ATP binding cassette subfamily C member 8; minus strand). Cytogenetic location: 11p15.1.
Variant type: single nucleotide variant.
Coding change: c.2937C>T on transcript NM_000352.6 (MANE Select); coding-DNA position 2937, C replaced by T.
Protein change: p.Ser979=; no amino-acid change (serine 979 retained).
Molecular consequence: synonymous variant. On other transcripts: non-coding transcript variant (1).
Genome position (GRCh38, 1-based): chr11:17,407,113, G>A on the plus strand (C>T on the coding strand, the complement: ABCC8 is on the minus strand). VCF-style: chr11-17407113-G-A. GRCh37 (hg19) VCF-style: chr11-17428660-G-A.
Other names: c.2940C>T, p.Ser980= (NM_001287174.3); c.3003C>T, p.Ser1001= (NM_001351295.2); c.2937C>T, p.Ser979= (NM_001351296.2); c.2934C>T, p.Ser978= (NM_001351297.2).
Identifiers: ClinVar variation 303769 (VCV000303769.11), dbSNP rs780868010, ClinGen allele CA5902966.
Genomic context (GRCh38, chr11:17,407,113, plus strand): 5'-GGCTCGCCATGGGATCTCAGCACGCTGGTGCAGCATGGACGACAGGTTGTCATCCTCCTC[G>A]CTCTCAGCTGCCTCCTCTGCAGGCCGCAAGAACCCACTCTGTGGCTACACATTTCCATCC-3'
Protein context (NP_000343.2, residues 969-989): EEEEEEEAAE[Ser979=]EEDDNLSSML